The following is an entry in ClinVar:

ClinVar aggregate classification (germline): Uncertain significance (1 of 4 stars; one submission).

Conditions:
Aicardi-Goutieres syndrome 7 (AGS7). Identifiers: Orphanet 51, MedGen C3888244, MONDO:0014367, OMIM 615846.
Singleton-Merten syndrome 1 (SGMRT1). Also called: Widened medullary cavities of bone, aortic calcification, abnormal dentition, and muscular weakness; Syndrome of widened medullary cavities of the metacarpals and phalanges, aortic calcification and abnormal dentition. Identifiers: Orphanet 85191, MedGen C4225427, MONDO:0024535, OMIM 182250.

Submission:

Labcorp Genetics (formerly Invitae), Labcorp
Classification: Uncertain significance for Aicardi-Goutieres syndrome 7; Singleton-Merten syndrome 1. Last evaluated: 2023-03-03. Review status: criteria provided, single submitter. Criteria: Invitae Variant Classification Sherloc (09022015). Collection method: clinical testing. Allele origin: germline.
Comment: In summary, the available evidence is currently insufficient to determine the role of this variant in disease. Therefore, it has been classified as a Variant of Uncertain Significance. Advanced modeling of protein sequence and biophysical properties (such as structural, functional, and spatial information, amino acid conservation, physicochemical variation, residue mobility, and thermodynamic stability) has been performed at Invitae for this missense variant, however the output from this modeling did not meet the statistical confidence thresholds required to predict the impact of this variant on IFIH1 protein function. This variant has not been reported in the literature in individuals affected with IFIH1-related conditions. This variant is not present in population databases (gnomAD no frequency). This sequence change replaces asparagine, which is neutral and polar, with aspartic acid, which is acidic and polar, at codon 863 of the IFIH1 protein (p.Asn863Asp).

NM_022168.4(IFIH1):c.2587A>G (p.Asn863Asp)

Gene: IFIH1 (interferon induced with helicase C domain 1; minus strand). Cytogenetic location: 2q24.2.
Variant type: single nucleotide variant.
Coding change: c.2587A>G on transcript NM_022168.4 (MANE Select); coding-DNA position 2587, A replaced by G.
Protein change: p.Asn863Asp; replaces asparagine 863 with aspartic acid.
Molecular consequence: missense variant.
Genome position (GRCh38, 1-based): chr2:162,272,255, T>C on the plus strand (A>G on the coding strand, the complement: IFIH1 is on the minus strand). VCF-style: chr2-162272255-T-C. GRCh37 (hg19) VCF-style: chr2-163128765-T-C.
Other names: short protein forms N863D.
Identifiers: ClinVar variation 2944694 (VCV002944694.3), dbSNP rs2468952257, ClinGen allele CA348993951.